The following is an entry in ClinVar:

ClinVar aggregate classification (germline): Uncertain significance (1 of 4 stars; one submission).

Submission:

Labcorp Genetics (formerly Invitae), Labcorp
Classification: Uncertain significance. Last evaluated: 2022-03-20. Review status: criteria provided, single submitter. Criteria: Invitae Variant Classification Sherloc (09022015). Collection method: clinical testing. Allele origin: germline.
Comment: In summary, the available evidence is currently insufficient to determine the role of this variant in disease. Therefore, it has been classified as a Variant of Uncertain Significance. Algorithms developed to predict the effect of missense changes on protein structure and function output the following: SIFT: "Tolerated"; PolyPhen-2: "Benign"; Align-GVGD: "Class C0". The valine amino acid residue is found in multiple mammalian species, which suggests that this missense change does not adversely affect protein function. This variant has not been reported in the literature in individuals affected with RAI1-related conditions. This variant is not present in population databases (gnomAD no frequency). This sequence change replaces isoleucine, which is neutral and non-polar, with valine, which is neutral and non-polar, at codon 1657 of the RAI1 protein (p.Ile1657Val).

NM_030665.4(RAI1):c.4969A>G (p.Ile1657Val)

Gene: RAI1 (retinoic acid induced 1; plus strand). Cytogenetic location: 17p11.2.
Variant type: single nucleotide variant.
Coding change: c.4969A>G on transcript NM_030665.4 (MANE Select); coding-DNA position 4969, A replaced by G.
Protein change: p.Ile1657Val; replaces isoleucine 1657 with valine.
Molecular consequence: missense variant.
Genome position (GRCh38, 1-based): chr17:17,797,917, A>G. VCF-style: chr17-17797917-A-G. GRCh37 (hg19) VCF-style: chr17-17701231-A-G.
Other names: short protein forms I1657V.
Identifiers: ClinVar variation 2115147 (VCV002115147.4), dbSNP rs2543623482, ClinGen allele CA398558054.
Genomic context (GRCh38, chr17:17,797,917, plus strand): 5'-TCGTCCTCGTTCTCCTTGGATGCAGCCGGGGCCTCCCTGGCCACACTCCCTGGAGGCTCC[A>G]TCCTGCAGCCGCGGCCCTCCTTGCCCCTCTCCTCCACGATGCACTTGGGGCCTGTGGTTT-3'
Protein context (NP_109590.3, residues 1647-1667): ASLATLPGGS[Ile1657Val]LQPRPSLPLS